The following is an entry in ClinVar:

ClinVar aggregate classification (germline): Uncertain significance. Review status: criteria provided, multiple submitters, no conflicts (2 of 4 stars). 2 submissions from 2 submitters: Uncertain significance (2). Last evaluated 2020-01-21.

Allele frequency attached by ClinVar (database versions not stated): gnomAD exomes below 0.00001; ExAC 0.00001; TOPMed 0.00001.
gnomAD v4.1: 6 of 1,614,180 alleles (0.00037%); highest among the groups gnomAD compares: Non-Finnish European, 0.00025%; no homozygotes.

Submissions (2):

GeneDx
Classification: Uncertain significance. Last evaluated: 2020-01-21. Review status: criteria provided, single submitter. Criteria: GeneDx Variant Classification Process June 2021. Collection method: clinical testing. Allele origin: germline. Affected: yes.
Comment: Not observed at a significant frequency in large population cohorts (Lek et al., 2016); In silico analysis, which includes protein predictors and evolutionary conservation, supports a deleterious effect; Has not been previously published as pathogenic or benign to our knowledge

Blueprint Genetics
Classification: Uncertain significance. Last evaluated: 2019-01-07. Review status: criteria provided, single submitter. Criteria: ACMG Guidelines, 2015. Collection method: clinical testing. Allele origin: germline.

NM_004525.3(LRP2):c.6899T>A (p.Ile2300Asn)

Gene: LRP2 (LDL receptor related protein 2; minus strand). Cytogenetic location: 2q31.1.
Variant type: single nucleotide variant.
Coding change: c.6899T>A on transcript NM_004525.3 (MANE Select); coding-DNA position 6899, T replaced by A.
Protein change: p.Ile2300Asn; replaces isoleucine 2300 with asparagine.
Molecular consequence: missense variant.
Genome position (GRCh38, 1-based): chr2:169,206,821, A>T on the plus strand (T>A on the coding strand, the complement: LRP2 is on the minus strand). VCF-style: chr2-169206821-A-T. GRCh37 (hg19) VCF-style: chr2-170063331-A-T.
Other names: short protein forms I2300N.
Identifiers: ClinVar variation 1310938 (VCV001310938.3), dbSNP rs779127917, ClinGen allele CA1954199.